The following is an entry in ClinVar:

NM_000038.6(APC):c.6062T>A (p.Phe2021Tyr)

Gene: APC (APC regulator of Wnt signaling pathway; plus strand). Cytogenetic location: 5q22.2.
Variant type: single nucleotide variant.
Coding change: c.6062T>A on transcript NM_000038.6 (MANE Select); coding-DNA position 6062, T replaced by A.
Protein change: p.Phe2021Tyr; replaces phenylalanine 2021 with tyrosine.
Molecular consequence: missense variant.
Genome position (GRCh38, 1-based): chr5:112,841,656, T>A. VCF-style: chr5-112841656-T-A. GRCh37 (hg19) VCF-style: chr5-112177353-T-A.
Other names: c.6062T>A, p.Phe2021Tyr (NM_001127510.3, NM_001354895.2); c.6008T>A, p.Phe2003Tyr (NM_001127511.3); c.6116T>A, p.Phe2039Tyr (NM_001354896.2); c.6092T>A, p.Phe2031Tyr (NM_001354897.2); c.5987T>A, p.Phe1996Tyr (NM_001354898.2); c.5978T>A, p.Phe1993Tyr (NM_001354899.2); c.5939T>A, p.Phe1980Tyr (NM_001354900.2); c.5885T>A, p.Phe1962Tyr (NM_001354901.2); and 5 more; short protein forms F2003Y, F2021Y, F1930Y, F1980Y, F1861Y, F1996Y, F2031Y, F2039Y.
Identifiers: ClinVar variation 570382 (VCV000570382.10), dbSNP rs1561604824, ClinGen allele CA16034597.

ClinVar aggregate classification (germline): Uncertain significance (1 of 4 stars; one submission).

Conditions:
Familial adenomatous polyposis 1 (FAP1). Also called: POLYPOSIS, ADENOMATOUS INTESTINAL; FAMILIAL ADENOMATOUS POLYPOSIS 1, ATTENUATED. Identifiers: MedGen C2713442, MONDO:0021056, OMIM 175100. Disease mechanism: loss of function.

Submission:

Labcorp Genetics (formerly Invitae), Labcorp
Classification: Uncertain significance for Familial adenomatous polyposis 1. Last evaluated: 2026-01-19. Review status: criteria provided, single submitter. Criteria: Invitae Variant Classification Sherloc (09022015). Collection method: clinical testing. Allele origin: germline.
Comment: This sequence change replaces phenylalanine, which is neutral and non-polar, with tyrosine, which is neutral and polar, at codon 2021 of the APC protein (p.Phe2021Tyr). This variant is not present in population databases (gnomAD no frequency). This variant has not been reported in the literature in individuals affected with APC-related conditions. ClinVar contains an entry for this variant (Variation ID: 570382). Invitae Evidence Modeling of protein sequence and biophysical properties (such as structural, functional, and spatial information, amino acid conservation, physicochemical variation, residue mobility, and thermodynamic stability) indicates that this missense variant is not expected to disrupt APC protein function with a negative predictive value of 95%. In summary, the available evidence is currently insufficient to determine the role of this variant in disease. Therefore, it has been classified as a Variant of Uncertain Significance.